The following is an entry in ClinVar:

NM_001352754.2(ARMC9):c.2032C>G (p.His678Asp)

Gene: ARMC9 (armadillo repeat containing 9; plus strand). Cytogenetic location: 2q37.1.
Variant type: single nucleotide variant.
Coding change: c.2032C>G on transcript NM_001352754.2 (MANE Select); coding-DNA position 2032, C replaced by G.
Protein change: p.His678Asp; replaces histidine 678 with aspartic acid.
Molecular consequence: missense variant.
Genome position (GRCh38, 1-based): chr2:231,355,835, C>G. VCF-style: chr2-231355835-C-G. GRCh37 (hg19) VCF-style: chr2-232220547-C-G.
Other names: c.2032C>G, p.His678Asp (NM_001271466.4); short protein forms H678D.
Identifiers: ClinVar variation 1930295 (VCV001930295.5), dbSNP rs1416693711, ClinGen allele CA350957647.

ClinVar aggregate classification (germline): Uncertain significance (1 of 4 stars; one submission).

Allele frequency attached by ClinVar (database versions not stated): TOPMed below 0.00001; gnomAD 0.00001; gnomAD exomes 0.00001.
gnomAD v4.1: 15 of 1,536,028 alleles (0.00098%); highest among the groups gnomAD compares: African/African-American, 0.0014%; no homozygotes.

Submission:

Labcorp Genetics (formerly Invitae), Labcorp
Classification: Uncertain significance. Last evaluated: 2024-01-24. Review status: criteria provided, single submitter. Criteria: Invitae Variant Classification Sherloc (09022015). Collection method: clinical testing. Allele origin: germline.
Comment: This sequence change replaces histidine, which is basic and polar, with aspartic acid, which is acidic and polar, at codon 678 of the ARMC9 protein (p.His678Asp). This variant is present in population databases (no rsID available, gnomAD 0.007%). This variant has not been reported in the literature in individuals affected with ARMC9-related conditions. ClinVar contains an entry for this variant (Variation ID: 1930295). Experimental studies and prediction algorithms are not available or were not evaluated, and the functional significance of this variant is currently unknown. In summary, the available evidence is currently insufficient to determine the role of this variant in disease. Therefore, it has been classified as a Variant of Uncertain Significance.